The following is an entry in ClinVar:

NM_030943.4(AMN):c.652-20A>G

Gene: AMN (amnion associated transmembrane protein; plus strand). Cytogenetic location: 14q32.32.
Variant type: single nucleotide variant.
Coding change: c.652-20A>G on transcript NM_030943.4 (MANE Select); 20 bases into the intron before coding-DNA position 652, A replaced by G.
Molecular consequence: intron variant.
Genome position (GRCh38, 1-based): chr14:102,929,408, A>G. VCF-style: chr14-102929408-A-G. GRCh37 (hg19) VCF-style: chr14-103395745-A-G.
Identifiers: ClinVar variation 2115617 (VCV002115617.4), dbSNP rs2542697646, ClinGen allele CA2575630745.

ClinVar aggregate classification (germline): Uncertain significance (1 of 4 stars; one submission).

Conditions:
Imerslund-Grasbeck syndrome. Also called: Imerslund-Gräsbeck syndrome; ENTEROCYTE COBALAMIN MALABSORPTION; ENTEROCYTE INTRINSIC FACTOR RECEPTOR, DEFECT OF; PERNICIOUS ANEMIA, JUVENILE, DUE TO SELECTIVE INTESTINAL MALABSORPTION OF VITAMIN B12, WITH PROTEINURIA; Megaloblastic anemia due to inborn errors of metabolism. Identifiers: Orphanet 35858, MedGen C4551825, MONDO:0009853.

Allele frequency attached by ClinVar (database versions not stated): gnomAD exomes below 0.00001.

Submission:

Labcorp Genetics (formerly Invitae), Labcorp
Classification: Uncertain significance for Imerslund-Grasbeck syndrome. Last evaluated: 2022-07-27. Review status: criteria provided, single submitter. Criteria: Invitae Variant Classification Sherloc (09022015). Collection method: clinical testing. Allele origin: germline.
Comment: This sequence change falls in intron 6 of the AMN gene. It does not directly change the encoded amino acid sequence of the AMN protein. This variant is not present in population databases (gnomAD no frequency). This variant has not been reported in the literature in individuals affected with AMN-related conditions. Algorithms developed to predict the effect of sequence changes on RNA splicing suggest that this variant may disrupt the consensus splice site. In summary, the available evidence is currently insufficient to determine the role of this variant in disease. Therefore, it has been classified as a Variant of Uncertain Significance.